The following is an entry in ClinVar:

ClinVar aggregate classification (germline): Uncertain significance (1 of 4 stars; one submission).

Submission:

Labcorp Genetics (formerly Invitae), Labcorp
Classification: Uncertain significance. Last evaluated: 2024-08-11. Review status: criteria provided, single submitter. Criteria: Invitae Variant Classification Sherloc (09022015). Collection method: clinical testing. Allele origin: germline.
Comment: This sequence change replaces glutamic acid, which is acidic and polar, with lysine, which is basic and polar, at codon 845 of the MAST1 protein (p.Glu845Lys). This variant is not present in population databases (gnomAD no frequency). This variant has not been reported in the literature in individuals affected with MAST1-related conditions. An algorithm developed to predict the effect of missense changes on protein structure and function (PolyPhen-2) suggests that this variant is likely to be tolerated. In summary, the available evidence is currently insufficient to determine the role of this variant in disease. Therefore, it has been classified as a Variant of Uncertain Significance.

NM_014975.3(MAST1):c.2533G>A (p.Glu845Lys)

Gene: MAST1 (microtubule associated serine/threonine kinase 1; plus strand). Cytogenetic location: 19p13.13.
Variant type: single nucleotide variant.
Coding change: c.2533G>A on transcript NM_014975.3 (MANE Select); coding-DNA position 2533, G replaced by A.
Protein change: p.Glu845Lys; replaces glutamic acid 845 with lysine.
Molecular consequence: missense variant.
Genome position (GRCh38, 1-based): chr19:12,867,944, G>A. VCF-style: chr19-12867944-G-A. GRCh37 (hg19) VCF-style: chr19-12978758-G-A.
Other names: short protein forms E845K.
Identifiers: ClinVar variation 3672005 (VCV003672005.2).